The following is an entry in ClinVar:

ClinVar aggregate classification (germline): Likely benign. Review status: criteria provided, single submitter (1 of 4 stars). 2 submissions from 2 submitters: Likely benign (1). 1 of the submissions does not count toward it. Last evaluated 2024-10-24.

Conditions:
FHOD3-related disorder. Also called: FHOD3-related condition.

Submissions (2):

Blueprint Genetics
Classification: Likely benign. Last evaluated: 2024-10-24. Review status: criteria provided, single submitter. Criteria: ACMG Guidelines, 2015. Collection method: clinical testing. Allele origin: germline.

PreventionGenetics, part of Exact Sciences
Classification: Likely benign for FHOD3-related condition. Last evaluated: 2023-04-25. Review status: no assertion criteria provided. Collection method: clinical testing. Allele origin: germline. Not counted in ClinVar's aggregate classification.
Comment: This variant is classified as likely benign based on ACMG/AMP sequence variant interpretation guidelines (Richards et al. 2015 PMID: 25741868, with internal and published modifications).

NM_001281740.3(FHOD3):c.3066T>C (p.Pro1022=)

Gene: FHOD3 (formin homology 2 domain containing 3; plus strand). Cytogenetic location: 18q12.2.
Variant type: single nucleotide variant.
Coding change: c.3066T>C on transcript NM_001281740.3 (MANE Select); coding-DNA position 3066, T replaced by C.
Protein change: p.Pro1022=; no amino-acid change (proline 1022 retained).
Molecular consequence: synonymous variant.
Genome position (GRCh38, 1-based): chr18:36,718,364, T>C. VCF-style: chr18-36718364-T-C. GRCh37 (hg19) VCF-style: chr18-34298327-T-C.
Other names: c.2490T>C, p.Pro830= (NM_001281739.3); c.2541T>C, p.Pro847= (NM_025135.5).
Identifiers: ClinVar variation 3057227 (VCV003057227.3), dbSNP rs1192111423, ClinGen allele CA503774990.